The following is an entry in ClinVar:

NM_001292063.2(OTOG):c.8542-8C>T

Gene: OTOG (otogelin; plus strand). Cytogenetic location: 11p15.1.
Variant type: single nucleotide variant.
Coding change: c.8542-8C>T on transcript NM_001292063.2 (MANE Select); 8 bases into the intron before coding-DNA position 8542, C replaced by T.
Molecular consequence: intron variant.
Genome position (GRCh38, 1-based): chr11:17,645,736, C>T. VCF-style: chr11-17645736-C-T. GRCh37 (hg19) VCF-style: chr11-17667283-C-T.
Other names: c.8578-8C>T (NM_001277269.2).
Identifiers: ClinVar variation 226922 (VCV000226922.47), dbSNP rs182750732, ClinGen allele CA5906322.

ClinVar aggregate classification (germline): Benign/Likely benign. Review status: criteria provided, multiple submitters, no conflicts (2 of 4 stars). 8 submissions from 8 submitters: Benign (5); Likely benign (2). 1 of the submissions does not count toward it. Last evaluated 2026-09-01.

Conditions:
OTOG-related disorder. Also called: OTOG-related condition.

Allele frequency attached by ClinVar (database versions not stated): 1000 Genomes Project 0.00140; 1000 Genomes Project 30x 0.00187; ExAC 0.00209; gnomAD exomes 0.00463; gnomAD 0.00545 and 0.00565; TOPMed 0.00550.
gnomAD v4.1: 13,409 of 1,550,846 alleles (0.86%); highest among the groups gnomAD compares: Non-Finnish European, 1.1%; 83 homozygotes.

Submissions (8):

CeGaT Center for Human Genetics Tuebingen
Classification: Benign. Last evaluated: 2026-09-01. Review status: criteria provided, single submitter. Criteria: CeGaT Center For Human Genetics Tuebingen Variant Classification Criteria Version 2. Collection method: clinical testing. Allele origin: germline. Affected: yes. Observed: 13 variant alleles.
Comment: OTOG: BP4, BS1, BS2

Labcorp Genetics (formerly Invitae), Labcorp
Classification: Benign. Last evaluated: 2026-01-24. Review status: criteria provided, single submitter. Criteria: Invitae Variant Classification Sherloc (09022015). Collection method: clinical testing. Allele origin: germline.

Blueprint Genetics
Classification: Likely benign. Last evaluated: 2024-11-27. Review status: criteria provided, single submitter. Criteria: ACMG Guidelines, 2015. Collection method: clinical testing. Allele origin: germline.

Athena Diagnostics
Classification: Benign. Last evaluated: 2018-09-12. Review status: criteria provided, single submitter. Criteria: Athena Diagnostics Criteria. Collection method: clinical testing. Allele origin: germline.

GeneDx
Classification: Benign. Last evaluated: 2018-05-07. Review status: criteria provided, single submitter. Criteria: GeneDx Variant Classification Process June 2021. Collection method: clinical testing. Allele origin: germline. Affected: yes.

Eurofins Ntd Llc (ga)
Classification: Likely benign. Last evaluated: 2018-02-13. Review status: criteria provided, single submitter. Criteria: EGL ClinVar v180209 classification definitions. Collection method: clinical testing. Allele origin: germline. Observed: 1 variant allele, 1 heterozygote.

Laboratory for Molecular Medicine, Mass General Brigham Personalized Medicine
Classification: Benign. Last evaluated: 2015-05-28. Review status: criteria provided, single submitter. Criteria: LMM Criteria. Collection method: clinical testing. Allele origin: germline. Observed: 10 variant alleles.
Comment: c.8578-8C>T in intron 54 of OTOG: This variant is not expected to have clinical significance because a C>T change at this position does not diverge from the spl ice consensus sequence and is therefore unlikely to impact splicing. It has been identified in 0.5% (27/5570) of European chromosomes by the Exome Aggregation C onsortium (ExAC; dbSNP rs182750732).

PreventionGenetics, part of Exact Sciences
Classification: Benign for OTOG-related condition. Last evaluated: 2020-02-28. Review status: no assertion criteria provided. Collection method: clinical testing. Allele origin: germline. Not counted in ClinVar's aggregate classification.
Comment: This variant is classified as benign based on ACMG/AMP sequence variant interpretation guidelines (Richards et al. 2015 PMID: 25741868, with internal and published modifications).